The following is an entry in ClinVar:

NM_003730.6(RNASET2):c.22G>A (p.Gly8Arg)

Gene: RNASET2 (ribonuclease T2; minus strand). Cytogenetic location: 6q27.
Variant type: single nucleotide variant.
Coding change: c.22G>A on transcript NM_003730.6 (MANE Select); coding-DNA position 22, G replaced by A.
Protein change: p.Gly8Arg; replaces glycine 8 with arginine.
Molecular consequence: missense variant.
Genome position (GRCh38, 1-based): chr6:166,956,161, C>T on the plus strand (G>A on the coding strand, the complement: RNASET2 is on the minus strand). VCF-style: chr6-166956161-C-T. GRCh37 (hg19) VCF-style: chr6-167369649-C-T.
Other names: short protein forms G8R.
Identifiers: ClinVar variation 873505 (VCV000873505.4), dbSNP rs911168436, ClinGen allele CA366408504.
Genomic context (GRCh38, chr6:166,956,161, plus strand): 5'-GGCGCTTGTCCGCACCGCCCAGGCAAAGCAACGCCAGGCAGAGGCAGCCCAGCAGGGCCC[C>T]GCGCAGGGCTGCAGGGCGCATGGTGCCGACCTGCGGAGAGAACGCTGCCAGCTGCCGCTC-3'
Protein context (NP_003721.2, residues 1-18): MRPAALR[Gly8Arg]ALLGCLCLAL

ClinVar aggregate classification (germline): Uncertain significance (1 of 4 stars; one submission).

Conditions:
Cystic leukoencephalopathy without megalencephaly. Identifiers: Orphanet 85136, MedGen C2751843, MONDO:0013058, OMIM 612951.

Allele frequency attached by ClinVar (database versions not stated): TOPMed 0.00001.

Submission:

Illumina Laboratory Services, Illumina
Classification: Uncertain significance for Cystic leukoencephalopathy without megalencephaly. Last evaluated: 2020-01-13. Review status: criteria provided, single submitter. Criteria: ICSLVariantClassificationCriteria RUGD 01 April 2020. Collection method: clinical testing. Allele origin: unknown.
Comment: The RNASET2 c.22G>A (p.Gly8Arg) variant is a missense variant. A literature search was performed for the gene, cDNA change, and amino acid change. No publications were found based on this search. This variant is not found in the Genome Aggregation Database in a region of good sequence coverage, so the variant is presumed to be rare. Based on the limited evidence, the p.Gly8Arg variant is classified as a variant of unknown significance for cystic leukoencephalopathy without megalencephaly.